The following is an entry in ClinVar:

ClinVar aggregate classification (germline): Uncertain significance (1 of 4 stars; one submission).

Submission:

CeGaT Center for Human Genetics Tuebingen
Classification: Uncertain significance. Last evaluated: 2025-07-01. Review status: criteria provided, single submitter. Criteria: CeGaT Center For Human Genetics Tuebingen Variant Classification Criteria Version 2. Collection method: clinical testing. Allele origin: germline. Affected: yes. Observed: 1 variant allele.
Comment: FBXO38: PM2

NM_205836.3(FBXO38):c.182A>G (p.Lys61Arg)

Gene: FBXO38 (F-box protein 38; plus strand). Cytogenetic location: 5q32.
Variant type: single nucleotide variant.
Coding change: c.182A>G on transcript NM_205836.3 (MANE Select); coding-DNA position 182, A replaced by G.
Protein change: p.Lys61Arg; replaces lysine 61 with arginine.
Molecular consequence: missense variant.
Genome position (GRCh38, 1-based): chr5:148,399,052, A>G. VCF-style: chr5-148399052-A-G. GRCh37 (hg19) VCF-style: chr5-147778615-A-G.
Other names: c.182A>G, p.Lys61Arg (NM_001271723.2, NM_030793.5); short protein forms K61R.
Identifiers: ClinVar variation 4084671 (VCV004084671.8).
Genomic context (GRCh38, chr5:148,399,052, plus strand): 5'-CACAAAGGTACCTCCCTCTGCAGGATATCATGTGTATGGAATGTCTTTCCCGGAAGCTAA[A>G]GGAAGCAGTGACCCTATATCTGCGAGTTGTGAGAGTTGTAGATCTCTGTGCAGGGCGGTG-3'
Protein context (NP_995308.1, residues 51-71): MCMECLSRKL[Lys61Arg]EAVTLYLRVV